The following is an entry in ClinVar:

ClinVar aggregate classification (germline): Uncertain significance (1 of 4 stars; one submission).

Conditions:
Inborn genetic diseases. Identifiers: MedGen C0950123, MeSH D030342.

Submission:

Ambry Genetics
Classification: Uncertain significance for Inborn genetic diseases. Last evaluated: 2026-05-04. Review status: criteria provided, single submitter. Criteria: Ambry Variant Classification Scheme 2023. Collection method: clinical testing. Allele origin: germline.
Comment: The p.A1107E variant (also known as c.3320C>A), located in coding exon 14 of the FANCM gene, results from a C to A substitution at nucleotide position 3320. The alanine at codon 1107 is replaced by glutamic acid, an amino acid with dissimilar properties. This amino acid position is conserved. In addition, this alteration is predicted to be tolerated by in silico analysis. Based on the available evidence, the clinical significance of this variant remains unclear.

NM_020937.4(FANCM):c.3320C>A (p.Ala1107Glu)

Gene: FANCM (FA complementation group M; plus strand). Cytogenetic location: 14q21.2.
Variant type: single nucleotide variant.
Coding change: c.3320C>A on transcript NM_020937.4 (MANE Select); coding-DNA position 3320, C replaced by A.
Protein change: p.Ala1107Glu; replaces alanine 1107 with glutamic acid.
Molecular consequence: missense variant.
Genome position (GRCh38, 1-based): chr14:45,176,074, C>A. VCF-style: chr14-45176074-C-A. GRCh37 (hg19) VCF-style: chr14-45645277-C-A.
Other names: c.3242C>A, p.Ala1081Glu (NM_001308133.2); short protein forms A1081E, A1107E.
Identifiers: ClinVar variation 4871121 (VCV004871121.1).